The following is an entry in ClinVar:

NM_000059.4(BRCA2):c.5970T>C (p.Asp1990=)

Gene: BRCA2 (BRCA2 DNA repair associated; plus strand). Cytogenetic location: 13q13.1.
Variant type: single nucleotide variant.
Coding change: c.5970T>C on transcript NM_000059.4 (MANE Select); coding-DNA position 5970, T replaced by C.
Protein change: p.Asp1990=; no amino-acid change (aspartic acid 1990 retained).
Molecular consequence: synonymous variant.
Genome position (GRCh38, 1-based): chr13:32,340,325, T>C. VCF-style: chr13-32340325-T-C. GRCh37 (hg19) VCF-style: chr13-32914462-T-C.
Identifiers: ClinVar variation 438991 (VCV000438991.18), dbSNP rs1064794160, ClinGen allele CA483438945.

ClinVar aggregate classification (germline): Conflicting classifications of pathogenicity. Review status: criteria provided, conflicting classifications (1 of 4 stars). 4 submissions from 4 submitters: Uncertain significance (1); Likely benign (3). Last evaluated 2023-11-20.

Conditions:
Breast-ovarian cancer, familial, susceptibility to, 2 (BROVCA2). Also called: BRCA2 Hereditary Breast and Ovarian Cancer. Identifiers: Orphanet 145, MedGen C2675520, MONDO:0012933, OMIM 612555. Disease mechanism: loss of function.
Hereditary cancer-predisposing syndrome. Also called: Hereditary Cancer Syndrome; Hereditary neoplastic syndrome; Tumor predisposition; Neoplastic Syndromes, Hereditary. Identifiers: Orphanet 140162, MedGen C0027672, MeSH D009386, MONDO:0015356.
Hereditary breast ovarian cancer syndrome. Also called: Hereditary breast and ovarian cancer syndrome; BRCA1- and BRCA2-Associated Hereditary Breast and Ovarian Cancer; Hereditary breast and ovarian cancer syndrome (HBOC); Hereditary breast and/or ovarian cancer syndrome; Hereditary breast and ovarian cancer; Breast and ovarian cancer. Identifiers: Orphanet 145, MedGen C0677776, MeSH D061325, MONDO:0003582. Disease mechanism: loss of function.

gnomAD v4.1: 1 of 1,614,070 alleles (0.000062%); highest among the groups gnomAD compares: Non-Finnish European, 0.000085%; no homozygotes.

Submissions (4):

All of Us Research Program, National Institutes of Health
Classification: Likely benign for Breast-ovarian cancer, familial, susceptibility to, 2. Last evaluated: 2023-11-20. Review status: criteria provided, single submitter. Criteria: ACMG Guidelines, 2015. Collection method: clinical testing. Allele origin: germline. Inheritance: Autosomal dominant inheritance. Observed: 1 variant allele, 1 heterozygote.
Comment: This study involves interpretation of variants in research participants for the purpose of population health screening. Participant phenotype was not available at the time of variant classification. Additional details can be found in publication PMID: 35346344, PMCID: PMC8962531

Labcorp Genetics (formerly Invitae), Labcorp
Classification: Likely benign for Hereditary breast ovarian cancer syndrome. Last evaluated: 2023-09-06. Review status: criteria provided, single submitter. Criteria: Invitae Variant Classification Sherloc (09022015). Collection method: clinical testing. Allele origin: germline.

Quest Diagnostics Nichols Institute San Juan Capistrano
Classification: Uncertain significance. Last evaluated: 2017-05-24. Review status: criteria provided, single submitter. Criteria: Quest Diagnostics criteria. Collection method: clinical testing. Allele origin: germline.

Ambry Genetics
Classification: Likely benign for Hereditary cancer-predisposing syndrome. Last evaluated: 2016-12-30. Review status: criteria provided, single submitter. Criteria: Ambry Variant Classification Scheme 2023. Collection method: clinical testing. Allele origin: germline.